The following is an entry in ClinVar:

ClinVar aggregate classification (germline): Uncertain significance (1 of 4 stars; one submission).

Conditions:
Sclerosteosis 2 (SOST2). Identifiers: Orphanet 3152, MedGen C3280402, MONDO:0013679, OMIM 614305.
Cenani-Lenz syndactyly syndrome. Also called: SYNDACTYLY, TYPE VII; CENANI SYNDACTYLISM. Identifiers: Orphanet 3258, MedGen C1859309, MONDO:0008931, OMIM 212780.
Congenital myasthenic syndrome 17. Identifiers: Orphanet 590, MedGen C4225377, MONDO:0014578, OMIM 616304.

Allele frequency attached by ClinVar (database versions not stated): TOPMed below 0.00001; gnomAD 0.00001.
gnomAD v4.1: 2 of 1,614,008 alleles (0.00012%); highest among the groups gnomAD compares: East Asian, 0.0022%; no homozygotes.

Submission:

Labcorp Genetics (formerly Invitae), Labcorp
Classification: Uncertain significance for Cenani-Lenz syndactyly syndrome; Sclerosteosis 2; Congenital myasthenic syndrome 17. Last evaluated: 2020-11-17. Review status: criteria provided, single submitter. Criteria: Invitae Variant Classification Sherloc (09022015). Collection method: clinical testing. Allele origin: germline.
Comment: This variant is not present in population databases (ExAC no frequency). In summary, the available evidence is currently insufficient to determine the role of this variant in disease. Therefore, it has been classified as a Variant of Uncertain Significance. Algorithms developed to predict the effect of missense changes on protein structure and function are either unavailable or do not agree on the potential impact of this missense change (SIFT: "Deleterious"; PolyPhen-2: "Possibly Damaging"; Align-GVGD: "Class C0"). This variant has not been reported in the literature in individuals with LRP4-related conditions. This sequence change replaces leucine with phenylalanine at codon 1509 of the LRP4 protein (p.Leu1509Phe). The leucine residue is highly conserved and there is a small physicochemical difference between leucine and phenylalanine.

NM_002334.4(LRP4):c.4525C>T (p.Leu1509Phe)

Genes: LRP4 (LDL receptor related protein 4; minus strand), LRP4-AS1 (LRP4 antisense RNA 1; plus strand). Cytogenetic location: 11p11.2.
Variant type: single nucleotide variant.
Coding change: c.4525C>T on transcript NM_002334.4 (MANE Select); coding-DNA position 4525, C replaced by T.
Protein change: p.Leu1509Phe; replaces leucine 1509 with phenylalanine.
Molecular consequence: missense variant. On other transcripts: non-coding transcript variant (1).
Genome position (GRCh38, 1-based): chr11:46,873,158, G>A on the plus strand (C>T on the coding strand, the complement: LRP4 is on the minus strand). VCF-style: chr11-46873158-G-A. GRCh37 (hg19) VCF-style: chr11-46894709-G-A.
Other names: short protein forms L1509F.
Identifiers: ClinVar variation 1419280 (VCV001419280.6), dbSNP rs1940914910, ClinGen allele CA380267343.